The following is an entry in ClinVar:

NM_172245.4(CSF2RA):c.692C>T (p.Thr231Met)

Gene: CSF2RA (colony stimulating factor 2 receptor subunit alpha; plus strand). Cytogenetic location: Xp22.33.
Variant type: single nucleotide variant.
Coding change: c.692C>T on transcript NM_172245.4 (MANE Select); coding-DNA position 692, C replaced by T.
Protein change: p.Thr231Met; replaces threonine 231 with methionine.
Molecular consequence: missense variant. On other transcripts: non-coding transcript variant (1), intron variant (1).
Genome position (GRCh38, 1-based): chrX:1,294,373, C>T. VCF-style: chrX-1294373-C-T. GRCh37 (hg19) VCF-style: chrX-1413266-C-T.
Other names: c.692C>T, p.Thr231Met (NM_001161529.2, NM_001161530.2, NM_001161531.2 and 18 more transcripts); c.293C>T, p.Thr98Met (NM_001161532.2); c.673C>T, p.Arg225Cys (NM_001379166.1); c.646+3864C>T (NM_172249.4); short protein forms T231M, T98M, R225C.
Identifiers: ClinVar variation 578948 (VCV000578948.8), dbSNP rs149974131, ClinGen allele CA10330954.

ClinVar aggregate classification (germline): Conflicting classifications of pathogenicity. Review status: criteria provided, conflicting classifications (1 of 4 stars). 2 submissions from 2 submitters: Uncertain significance (1); Likely benign (1). Last evaluated 2024-08-12.

Conditions:
Surfactant metabolism dysfunction, pulmonary, 4 (SMDP4). Also called: CSF2RA DEFICIENCY; PAP DUE TO CSF2RA DEFICIENCY; PULMONARY ALVEOLAR PROTEINOSIS, CONGENITAL, 4. Identifiers: Orphanet 264675, MedGen C2677877, MONDO:0010424, OMIM 300770.

Allele frequency attached by ClinVar (database versions not stated): ExAC 0.00023; gnomAD 0.00025 and 0.00028; gnomAD exomes 0.00026 and 0.00055; TOPMed 0.00033; ESP Exome Variant Server 0.00054.
gnomAD v4.1: 838 of 1,613,734 alleles (0.052%); highest among the groups gnomAD compares: Non-Finnish European, 0.066%; 1 homozygote.

Submissions (2):

Blueprint Genetics
Classification: Likely benign. Last evaluated: 2024-08-12. Review status: criteria provided, single submitter. Criteria: ACMG Guidelines, 2015. Collection method: clinical testing. Allele origin: germline.

Labcorp Genetics (formerly Invitae), Labcorp
Classification: Uncertain significance for Surfactant metabolism dysfunction, pulmonary, 4. Last evaluated: 2022-08-23. Review status: criteria provided, single submitter. Criteria: Invitae Variant Classification Sherloc (09022015). Collection method: clinical testing. Allele origin: germline.
Comment: This sequence change replaces threonine, which is neutral and polar, with methionine, which is neutral and non-polar, at codon 231 of the CSF2RA protein (p.Thr231Met). This variant is present in population databases (no rsID available, gnomAD 0.05%). This variant has not been reported in the literature in individuals affected with CSF2RA-related conditions. ClinVar contains an entry for this variant (Variation ID: 578948). Algorithms developed to predict the effect of missense changes on protein structure and function are either unavailable or do not agree on the potential impact of this missense change (SIFT: "Deleterious"; PolyPhen-2: "Not Available"; Align-GVGD: "Class C0"). In summary, the available evidence is currently insufficient to determine the role of this variant in disease. Therefore, it has been classified as a Variant of Uncertain Significance.